The following is an entry in ClinVar:

NM_003839.4(TNFRSF11A):c.517A>C (p.Thr173Pro)

Gene: TNFRSF11A (TNF receptor superfamily member 11a; plus strand). Cytogenetic location: 18q21.33.
Variant type: single nucleotide variant.
Coding change: c.517A>C on transcript NM_003839.4 (MANE Select); coding-DNA position 517, A replaced by C.
Protein change: p.Thr173Pro; replaces threonine 173 with proline.
Molecular consequence: missense variant.
Genome position (GRCh38, 1-based): chr18:62,358,337, A>C. VCF-style: chr18-62358337-A-C. GRCh37 (hg19) VCF-style: chr18-60025570-A-C.
Other names: c.517A>C, p.Thr173Pro (NM_001270949.2, NM_001270950.2, NM_001270951.2); c.475A>C, p.Thr159Pro (NM_001278268.2); short protein forms T159P, T173P.
Identifiers: ClinVar variation 4745525 (VCV004745525.1).

ClinVar aggregate classification (germline): Uncertain significance (1 of 4 stars; one submission).

Submission:

Labcorp Genetics (formerly Invitae), Labcorp
Classification: Uncertain significance. Last evaluated: 2025-07-20. Review status: criteria provided, single submitter. Criteria: Invitae Variant Classification Sherloc (09022015). Collection method: clinical testing. Allele origin: germline.
Comment: This sequence change replaces threonine, which is neutral and polar, with proline, which is neutral and non-polar, at codon 173 of the TNFRSF11A protein (p.Thr173Pro). This variant is not present in population databases (gnomAD no frequency). This variant has not been reported in the literature in individuals affected with TNFRSF11A-related conditions. Invitae Evidence Modeling of protein sequence and biophysical properties (such as structural, functional, and spatial information, amino acid conservation, physicochemical variation, residue mobility, and thermodynamic stability) indicates that this missense variant is expected to disrupt TNFRSF11A protein function with a positive predictive value of 80%. In summary, the available evidence is currently insufficient to determine the role of this variant in disease. Therefore, it has been classified as a Variant of Uncertain Significance.